The following is an entry in ClinVar:

ClinVar aggregate classification (germline): Uncertain significance (1 of 4 stars; one submission).

Conditions:
Infantile-onset ascending hereditary spastic paralysis (IAHSP). Also called: Autosomal Recessive Juvenile Amyotrophic Lateral Sclerosis; Infantile-Onset Ascending Hereditary Spastic Paralysis (IAHSP). Identifiers: Orphanet 293168, MedGen C2931441, MONDO:0011797, OMIM 607225. Disease mechanism: loss of function.

Allele frequency attached by ClinVar (database versions not stated): TOPMed below 0.00001; ExAC 0.00001.

Submission:

Labcorp Genetics (formerly Invitae), Labcorp
Classification: Uncertain significance for Infantile-onset ascending hereditary spastic paralysis. Last evaluated: 2022-07-09. Review status: criteria provided, single submitter. Criteria: Invitae Variant Classification Sherloc (09022015). Collection method: clinical testing. Allele origin: germline.
Comment: In summary, the available evidence is currently insufficient to determine the role of this variant in disease. Therefore, it has been classified as a Variant of Uncertain Significance. Algorithms developed to predict the effect of missense changes on protein structure and function output the following: SIFT: "Tolerated"; PolyPhen-2: "Benign"; Align-GVGD: "Class C0". The aspartic acid amino acid residue is found in multiple mammalian species, which suggests that this missense change does not adversely affect protein function. This variant has not been reported in the literature in individuals affected with ALS2-related conditions. This variant is present in population databases (rs747637647, gnomAD 0.0009%). This sequence change replaces glutamic acid, which is acidic and polar, with aspartic acid, which is acidic and polar, at codon 1435 of the ALS2 protein (p.Glu1435Asp).

NM_020919.4(ALS2):c.4305A>C (p.Glu1435Asp)

Gene: ALS2 (alsin Rho guanine nucleotide exchange factor ALS2; minus strand). Cytogenetic location: 2q33.1.
Variant type: single nucleotide variant.
Coding change: c.4305A>C on transcript NM_020919.4 (MANE Select); coding-DNA position 4305, A replaced by C.
Protein change: p.Glu1435Asp; replaces glutamic acid 1435 with aspartic acid.
Molecular consequence: missense variant.
Genome position (GRCh38, 1-based): chr2:201,707,967, T>G on the plus strand (A>C on the coding strand, the complement: ALS2 is on the minus strand). VCF-style: chr2-201707967-T-G. GRCh37 (hg19) VCF-style: chr2-202572690-T-G.
Other names: c.4302A>C, p.Glu1434Asp (NM_001410975.1); short protein forms E1435D, E1434D.
Identifiers: ClinVar variation 2074808 (VCV002074808.4), dbSNP rs747637647, ClinGen allele CA2057608.
Genomic context (GRCh38, chr2:201,707,967, plus strand): 5'-AGTGCAAAAAGACTTCCTTTCGGTTGGCAGAGGAGCAGAGAGAGGAATTGTGCTGCCTTC[T>G]TCAGGCAGCTCAGGAAATAAGAACCTAAGGAAGAATAAAAAATATAATTATACAATTATA-3'
Protein context (NP_065970.2, residues 1425-1445): LVRFLFPELP[Glu1435Asp]EGSTIPLSAP